The following is an entry in ClinVar:

NM_000059.4(BRCA2):c.3446dup (p.Met1149fs)

Gene: BRCA2 (BRCA2 DNA repair associated; plus strand). Cytogenetic location: 13q13.1.
Variant type: Duplication.
Coding change: c.3446dup on transcript NM_000059.4 (MANE Select); coding-DNA position 3446, one base duplicated (T; older notation c.3446dupT).
Protein change: p.Met1149fs; shifts the reading frame from methionine 1149.
Molecular consequence: frameshift variant. On other transcripts: non-coding transcript variant (1), intron variant (2).
Genome position (GRCh38, 1-based): chr13:32,337,801, T duplicated. VCF-style (leftmost placement, unchanged base first): chr13-32337800-A-AT. GRCh37 (hg19) VCF-style: chr13-32911937-A-AT.
Other names: c.3446dup, p.Met1149fs (NM_001406719.1, NM_001406720.1); c.1909+4414dup (NM_001406721.1); c.425-6757dup (NM_001406722.1); short protein forms M1149fs.
Identifiers: ClinVar variation 2774901 (VCV002774901.2), dbSNP rs2548525974, ClinGen allele CA2697551772.

ClinVar aggregate classification (germline): Pathogenic (1 of 4 stars; one submission).

Conditions:
Hereditary cancer-predisposing syndrome. Also called: Neoplastic Syndromes, Hereditary; Tumor predisposition; Hereditary Cancer Syndrome; Hereditary neoplastic syndrome. Identifiers: Orphanet 140162, MedGen C0027672, MeSH D009386, MONDO:0015356.

Submission:

Color Diagnostics, LLC DBA Color Health
Classification: Pathogenic for Hereditary cancer-predisposing syndrome. Last evaluated: 2022-08-15. Review status: criteria provided, single submitter. Criteria: ACMG Guidelines, 2015. Collection method: clinical testing. Allele origin: germline.
Comment: This variant inserts 1 nucleotide in exon 11 of the BRCA2 gene, creating a frameshift and premature translation stop signal. This variant is expected to result in an absent or non-functional protein product. To our knowledge, this variant has not been reported in individuals affected with hereditary cancer in the literature. This variant has not been identified in the general population by the Genome Aggregation Database (gnomAD). Loss of BRCA2 function is a known mechanism of disease. Based on the available evidence, this variant is classified as Pathogenic.